The following is an entry in ClinVar:

NM_021968.4(H4C11):c.106C>T (p.Arg36Trp)

Gene: H4C11 (H4 clustered histone 11; plus strand). Cytogenetic location: 6p22.1.
Variant type: single nucleotide variant.
Coding change: c.106C>T on transcript NM_021968.4 (MANE Select); coding-DNA position 106, C replaced by T.
Protein change: p.Arg36Trp; replaces arginine 36 with tryptophan.
Molecular consequence: missense variant.
Genome position (GRCh38, 1-based): chr6:27,824,230, C>T. VCF-style: chr6-27824230-C-T. GRCh37 (hg19) VCF-style: chr6-27792008-C-T.
Other names: short protein forms R36W.
Identifiers: ClinVar variation 2681786 (VCV002681786.1), dbSNP rs2481041341, ClinGen allele CA362881880.
Genomic context (GRCh38, chr6:27,824,230, plus strand): 5'-GCTAAGCGCCACCGTAAAGTACTGCGCGACAATATCCAGGGCATCACCAAGCCGGCCATC[C>T]GGCGCCTTGCTCGCCGCGGCGGCGTGAAGCGCATCTCCGGCCTCATCTACGAGGAGACTC-3'
Protein context (NP_068803.1, residues 26-46): NIQGITKPAI[Arg36Trp]RLARRGGVKR

ClinVar aggregate classification (germline): Likely pathogenic (1 of 4 stars; one submission).

Conditions:
Tessadori-van Haaften neurodevelopmental syndrome 2 (TEBIVANED2). Identifiers: MedGen C5676923, MONDO:0030730, OMIM 619759.

Submission:

Randwick Genomics Laboratory, Prince of Wales Hospital Sydney, Australia, New South Wales Health Pathology
Classification: Likely pathogenic for Tessadori-van Haaften neurodevelopmental syndrome 2. Last evaluated: 2023-12-27. Review status: criteria provided, single submitter. Criteria: ACMG Guidelines, 2015. Collection method: clinical testing. Allele origin: germline. Affected: yes.
Comment: Following the ACMG/AMP criteria for pathogenicity categorisation, the variant H4C11:c.106C>T | p.(Arg36Trp) has been classified as LIKELY PATHOGENIC as it has the following characteristics: PM1 Located in a functional domain and/or mutational hotspot without benign variation PS2_Supporting de novo, where phenotype is consistent with the gene but not highly specific and thire is genetic heterogeneity PM2_Supporting Absent from normal population databases PP2 variant occurs in a region of the gene that is under missense constraint PP3 multiple lines of computational evidence support a deleterious effect